The following is an entry in ClinVar:

ClinVar aggregate classification (germline): Uncertain significance. Review status: criteria provided, multiple submitters, no conflicts (2 of 4 stars). 6 submissions from 6 submitters: Uncertain significance (6). Last evaluated 2025-12-08.

Conditions:
Hereditary cancer-predisposing syndrome. Also called: Neoplastic Syndromes, Hereditary; Tumor predisposition; Hereditary Cancer Syndrome; Hereditary neoplastic syndrome. Identifiers: Orphanet 140162, MedGen C0027672, MeSH D009386, MONDO:0015356.
Familial adenomatous polyposis 1 (FAP1). Also called: FAMILIAL ADENOMATOUS POLYPOSIS 1, ATTENUATED; POLYPOSIS, ADENOMATOUS INTESTINAL. Identifiers: MedGen C2713442, MONDO:0021056, OMIM 175100. Disease mechanism: loss of function.
Classic or attenuated familial adenomatous polyposis. Identifiers: MedGen CN372698, MONDO:0021057.

Allele frequency attached by ClinVar (database versions not stated): gnomAD exomes 0.00002.
gnomAD v4.1: 26 of 1,614,044 alleles (0.0016%); highest among the groups gnomAD compares: Non-Finnish European, 0.002%; no homozygotes.

Submissions (6):

Labcorp Genetics (formerly Invitae), Labcorp
Classification: Uncertain significance for Familial adenomatous polyposis 1. Last evaluated: 2025-12-08. Review status: criteria provided, single submitter. Criteria: Invitae Variant Classification Sherloc (09022015). Collection method: clinical testing. Allele origin: germline.
Comment: This sequence change replaces arginine, which is basic and polar, with histidine, which is basic and polar, at codon 786 of the APC protein (p.Arg786His). This variant is not present in population databases (gnomAD no frequency). This variant has not been reported in the literature in individuals affected with APC-related conditions. ClinVar contains an entry for this variant (Variation ID: 482358). Invitae Evidence Modeling of protein sequence and biophysical properties (such as structural, functional, and spatial information, amino acid conservation, physicochemical variation, residue mobility, and thermodynamic stability) indicates that this missense variant is not expected to disrupt APC protein function with a negative predictive value of 95%. In summary, the available evidence is currently insufficient to determine the role of this variant in disease. Therefore, it has been classified as a Variant of Uncertain Significance.

Ambry Genetics
Classification: Uncertain significance for Hereditary cancer-predisposing syndrome. Last evaluated: 2024-12-30. Review status: criteria provided, single submitter. Criteria: Ambry Variant Classification Scheme 2023. Collection method: clinical testing. Allele origin: germline.
Comment: The p.R786H variant (also known as c.2357G>A), located in coding exon 15 of the APC gene, results from a G to A substitution at nucleotide position 2357. The arginine at codon 786 is replaced by histidine, an amino acid with highly similar properties. This amino acid position is highly conserved in available vertebrate species. In addition, in silico predictors for this gene do not accurately predict pathogenicity. Missense alterations in APC are not a common cause of disease (Spier I et al. Genet Med. 2024 Feb;26(2):100992). Based on the available evidence, the clinical significance of this variant remains unclear.

Clinical Genetics Laboratory, Skane University Hospital Lund
Classification: Uncertain significance. Last evaluated: 2023-08-18. Review status: criteria provided, single submitter. Criteria: ACMG Guidelines, 2015. Collection method: clinical testing. Allele origin: germline. Affected: yes.

All of Us Research Program, National Institutes of Health
Classification: Uncertain significance for Classic or attenuated familial adenomatous polyposis. Last evaluated: 2023-01-10. Review status: criteria provided, single submitter. Criteria: ACMG Guidelines, 2015. Collection method: clinical testing. Allele origin: germline. Inheritance: Autosomal dominant inheritance. Observed: 1 variant allele, 1 heterozygote.
Comment: This missense variant replaces arginine with histidine at codon 786 of the APC protein. Computational prediction suggests that this variant may not impact protein structure and function (internally defined REVEL score threshold <= 0.5, PMID: 27666373). To our knowledge, functional studies have not been reported for this variant. This variant has not been reported in individuals affected with hereditary cancer in the literature. This variant has not been identified in the general population by the Genome Aggregation Database (gnomAD). The available evidence is insufficient to determine the role of this variant in disease conclusively. Therefore, this variant is classified as a Variant of Uncertain Significance.

This study involves interpretation of variants in research participants for the purpose of population health screening. Participant phenotype was not available at the time of variant classification. Additional details can be found in publication PMID: 35346344, PMCID: PMC8962531

Color Diagnostics, LLC DBA Color Health
Classification: Uncertain significance for Hereditary cancer-predisposing syndrome. Last evaluated: 2022-09-20. Review status: criteria provided, single submitter. Criteria: ACMG Guidelines, 2015. Collection method: clinical testing. Allele origin: germline.
Comment: This missense variant replaces arginine with histidine at codon 786 of the APC protein. Computational prediction suggests that this variant may not impact protein structure and function (internally defined REVEL score threshold <= 0.5, PMID: 27666373). To our knowledge, functional studies have not been reported for this variant. This variant has not been reported in individuals affected with hereditary cancer in the literature. This variant has not been identified in the general population by the Genome Aggregation Database (gnomAD). The available evidence is insufficient to determine the role of this variant in disease conclusively. Therefore, this variant is classified as a Variant of Uncertain Significance.

Mendelics
Classification: Uncertain significance for Familial adenomatous polyposis 1. Last evaluated: 2018-07-02. Review status: criteria provided, single submitter. Criteria: Mendelics Assertion Criteria 2017. Collection method: clinical testing. Allele origin: unknown.

NM_000038.6(APC):c.2357G>A (p.Arg786His)

Gene: APC (APC regulator of Wnt signaling pathway; plus strand). Cytogenetic location: 5q22.2.
Variant type: single nucleotide variant.
Coding change: c.2357G>A on transcript NM_000038.6 (MANE Select); coding-DNA position 2357, G replaced by A.
Protein change: p.Arg786His; replaces arginine 786 with histidine.
Molecular consequence: missense variant.
Genome position (GRCh38, 1-based): chr5:112,837,951, G>A. VCF-style: chr5-112837951-G-A. GRCh37 (hg19) VCF-style: chr5-112173648-G-A.
Other names: c.2357G>A, p.Arg786His (NM_001127510.3, NM_001354895.2); c.2303G>A, p.Arg768His (NM_001127511.3); c.2411G>A, p.Arg804His (NM_001354896.2); c.2387G>A, p.Arg796His (NM_001354897.2); c.2282G>A, p.Arg761His (NM_001354898.2); c.2273G>A, p.Arg758His (NM_001354899.2); c.2234G>A, p.Arg745His (NM_001354900.2); c.2180G>A, p.Arg727His (NM_001354901.2); and 5 more; short protein forms R768H, R786H, R727H, R685H, R695H, R745H, R761H, R804H.
Identifiers: ClinVar variation 482358 (VCV000482358.24), dbSNP rs1554084088, ClinGen allele CA16026505.